The following is an entry in ClinVar:

NM_000212.3(ITGB3):c.59T>G (p.Leu20Arg)

Gene: ITGB3 (integrin subunit beta 3; plus strand). Cytogenetic location: 17q21.32.
Variant type: single nucleotide variant.
Coding change: c.59T>G on transcript NM_000212.3 (MANE Select); coding-DNA position 59, T replaced by G.
Protein change: p.Leu20Arg; replaces leucine 20 with arginine.
Molecular consequence: missense variant.
Genome position (GRCh38, 1-based): chr17:47,253,920, T>G. VCF-style: chr17-47253920-T-G. GRCh37 (hg19) VCF-style: chr17-45331286-T-G.
Other names: short protein forms L20R.
Identifiers: ClinVar variation 1703874 (VCV001703874.3), dbSNP rs2149057083, ClinGen allele CA400028386.
Genomic context (GRCh38, chr17:47,253,920, plus strand): 5'-AGATGCGAGCGCGGCCGCGGCCCCGGCCGCTCTGGGCGACTGTGCTGGCGCTGGGGGCGC[T>G]GGCGGGCGTTGGCGTAGGAGGTGAGTGAGGCTCCGGCTCGGCAGCGTCGCAGCTGCCCCA-3'
Protein context (NP_000203.2, residues 10-30): LWATVLALGA[Leu20Arg]AGVGVGGPNI

ClinVar aggregate classification (germline): Uncertain significance. Review status: reviewed by expert panel (3 of 4 stars). 2 submissions from 2 submitters: Uncertain significance (1). 1 of the submissions does not count toward it. Last evaluated 2025-03-06.

Conditions:
Glanzmann thrombasthenia 2. Also called: BLEEDING DISORDER, PLATELET-TYPE, 23. Identifiers: MedGen C5543273, MONDO:0031009, OMIM 619267.
Glanzmann thrombasthenia. Also called: PLATELET GLYCOPROTEIN IIb-IIIa DEFICIENCY; Glanzmann's thrombasthenia; BLEEDING DISORDER, PLATELET-TYPE, 2; THROMBASTHENIA OF GLANZMANN AND NAEGELI; Thrombasthenia. Identifiers: Orphanet 849, MedGen C0040015, MONDO:0100326.

Submissions (2):

ClinGen Platelet Disorders Variant Curation Expert Panel, ClinGen
Classification: Uncertain significance for Glanzmann thrombasthenia. Last evaluated: 2025-03-06. Review status: reviewed by expert panel. Criteria: ClinGen Platelet ACMG Specifications v2-1. Collection method: curation. Allele origin: germline. Inheritance: Autosomal recessive inheritance.
Comment: The NM_000212.3:c.59T>G variant in ITGB3 is a missense variant predicted to cause substitution of Leu by Arg at amino acid 20. There are no patients with Glanzmann Thrombasthenia in the literature that have been reported with this variant, to the best of our knowledge and a compound heterozygous individual reported in the laboratory internal data does not meet the phenotype criteria (PP4 not met). This variant is absent from gnomAD v4.1 (PM2_Supporting). The computational predictor REVEL gives a score of 0.231, which is below the ClinGen PD VCEP threshold of <0.25 and predicts no damaging effect on ITGB3 function (BP4). Another missense variant [c.59T>C (p.Leu20Pro)] [CA400028389; PMID: 19691478] in the same codon has been reported in a patient with Glanzmann thrombasthenia. However, this variant has not yet met the criteria to be classified as pathogenic or likely pathogenic by the ClinGen PD VCEP (PM5 not met). In summary, this variant meets the criteria to be classified as VUS for autosomal recessive Glanzmann Thrombasthenia. ACMG/AMP criteria applied, as specified by the ClinGen PD-VCEP: PM2_Supporting, BP4. (PD VCEP specifications version 2).

ISTH-SSC Genomics in Thrombosis and Hemostasis, KU Leuven, Center for Molecular and Vascular Biology
Classification: Uncertain significance for Glanzmann thrombasthenia 2. Review status: criteria provided, single submitter. Criteria: ACMG Guidelines, 2015. Collection method: clinical testing. Allele origin: germline. Affected: yes. Observed: 1 compound heterozygote. Not counted in ClinVar's aggregate classification.
Comment: Submitted to GoldVariant by Jose María Bastida and José Rivera; Grupo Español de Alteraciones Plaquetarias Congénitas (GEAPC)